The following is an entry in ClinVar:

ClinVar aggregate classification (germline): Uncertain significance (1 of 4 stars; one submission).

gnomAD v4.1: 1 of 1,611,834 alleles (0.000062%); highest among the groups gnomAD compares: Non-Finnish European, 0.000085%; no homozygotes.

Submission:

GeneDx
Classification: Uncertain significance. Last evaluated: 2023-06-08. Review status: criteria provided, single submitter. Criteria: GeneDx Variant Classification Process June 2021. Collection method: clinical testing. Allele origin: germline. Affected: yes.
Comment: Nonsense variant predicted to result in protein truncation or nonsense mediated decay in a gene for which loss of function is a known mechanism of disease; Has not been previously published as pathogenic or benign to our knowledge

NM_001282116.2(RFX3):c.709C>T (p.Arg237Ter)

Gene: RFX3 (regulatory factor X3; minus strand). Cytogenetic location: 9p24.2.
Variant type: single nucleotide variant.
Coding change: c.709C>T on transcript NM_001282116.2 (MANE Select); coding-DNA position 709, C replaced by T.
Protein change: p.Arg237Ter; replaces arginine 237 with a stop codon.
Molecular consequence: nonsense.
Genome position (GRCh38, 1-based): chr9:3,293,099, G>A on the plus strand (C>T on the coding strand, the complement: RFX3 is on the minus strand). VCF-style: chr9-3293099-G-A. GRCh37 (hg19) VCF-style: chr9-3293099-G-A.
Other names: c.709C>T, p.Arg237Ter (NM_001282117.2, NM_001377999.1, NM_002919.4 and 1 more transcripts); short protein forms R237*.
Identifiers: ClinVar variation 3359699 (VCV003359699.1).
Genomic context (GRCh38, chr9:3,293,099, plus strand): 5'-AGAGAGATTAGTTTATGATCTTATTTTTCAATACTAACCTAGTGCCCAATCTCCTGGTTC[G>A]TAGCCCCATAAAAATTGATCTTATTAATTTTCCAAAAGAGGCAGCATTGACTGGGTCCAG-3'